The following is an entry in ClinVar:

ClinVar aggregate classification (germline): Benign. Review status: criteria provided, multiple submitters, no conflicts (2 of 4 stars). 8 submissions from 8 submitters: Benign (7). 1 of the submissions does not count toward it. Last evaluated 2026-02-02.

Conditions:
Bardet-Biedl syndrome 9 (BBS9). Identifiers: Orphanet 110, MedGen C1859567, MONDO:0014437, OMIM 615986.
Bardet-Biedl syndrome (BBS). Identifiers: Orphanet 110, MedGen C0752166, MONDO:0015229.
Bardet-Biedl syndrome 1 (BBS1). Identifiers: MedGen C2936862, MONDO:0008854, OMIM 209900. Disease mechanism: loss of function.

Allele frequency attached by ClinVar (database versions not stated): gnomAD exomes 0.00146 and 0.00374; ExAC 0.00467; ESP Exome Variant Server 0.01473; gnomAD 0.01536 and 0.01649; TOPMed 0.01713; 1000 Genomes Project 0.01737; 1000 Genomes Project 30x 0.01889.
gnomAD v4.1: 4,540 of 1,612,446 alleles (0.28%); highest among the groups gnomAD compares: African/African-American, 5.4%; 122 homozygotes.

Submissions (8):

Labcorp Genetics (formerly Invitae), Labcorp
Classification: Benign for Bardet-Biedl syndrome. Last evaluated: 2026-02-02. Review status: criteria provided, single submitter. Criteria: Invitae Variant Classification Sherloc (09022015). Collection method: clinical testing. Allele origin: germline.

Mayo Clinic Laboratories, Mayo Clinic
Classification: Benign. Last evaluated: 2023-04-12. Review status: criteria provided, single submitter. Criteria: ACMG Guidelines, 2015. Collection method: clinical testing. Allele origin: germline. Observed: 4 variant alleles.

Fulgent Genetics
Classification: Benign for Bardet-Biedl syndrome 9. Last evaluated: 2022-01-19. Review status: criteria provided, single submitter. Criteria: ACMG Guidelines, 2015. Collection method: clinical testing. Allele origin: unknown.

GeneDx
Classification: Benign. Last evaluated: 2020-06-29. Review status: criteria provided, single submitter. Criteria: GeneDx Variant Classification Process June 2021. Collection method: clinical testing. Allele origin: germline. Affected: yes.

Illumina Laboratory Services, Illumina
Classification: Benign for Bardet-Biedl syndrome 9. Last evaluated: 2018-01-12. Review status: criteria provided, single submitter. Criteria: ICSL Variant Classification Criteria 13 December 2019. Collection method: clinical testing. Allele origin: germline.
Comment: This variant was observed in the ICSL laboratory as part of a predisposition screen in an ostensibly healthy population. It had not been previously curated by ICSL or reported in the Human Gene Mutation Database (HGMD: prior to June 1st, 2018), and was therefore a candidate for classification through an automated scoring system. Utilizing variant allele frequency, disease prevalence and penetrance estimates, and inheritance mode, an automated score was calculated to assess if this variant is too frequent to cause the disease. Based on the score and internal cut-off values, a variant classified as benign is not then subjected to further curation. The score for this variant resulted in a classification of benign for this disease.

Genome Diagnostics Laboratory, University Medical Center Utrecht
Classification: Benign for Bardet-Biedl syndrome 1. Last evaluated: 2015-01-27. Review status: criteria provided, single submitter. Criteria: ACGS Guidelines, 2013. Collection method: clinical testing. Allele origin: germline. Affected: yes. Study: VKGL Data-share Consensus.

PreventionGenetics, part of Exact Sciences
Classification: Benign. Review status: criteria provided, single submitter. Criteria: ACMG Guidelines, 2015. Collection method: clinical testing. Allele origin: germline.

Genome Diagnostics Laboratory, Amsterdam University Medical Center
Classification: Benign for Bardet-Biedl syndrome 1. Last evaluated: 2017-04-19. Review status: no assertion criteria provided. Criteria: ACGS Guidelines, 2013. Collection method: clinical testing. Allele origin: germline. Affected: yes. Study: VKGL Data-share Consensus. Not counted in ClinVar's aggregate classification.

NM_198428.3(BBS9):c.1546C>A (p.Pro516Thr)

Gene: BBS9 (Bardet-Biedl syndrome 9; plus strand). Cytogenetic location: 7p14.3.
Variant type: single nucleotide variant.
Coding change: c.1546C>A on transcript NM_198428.3 (MANE Select); coding-DNA position 1546, C replaced by A.
Protein change: p.Pro516Thr; replaces proline 516 with threonine.
Molecular consequence: missense variant. On other transcripts: non-coding transcript variant (3), intron variant (3).
Genome position (GRCh38, 1-based): chr7:33,352,867, C>A. VCF-style: chr7-33352867-C-A. GRCh37 (hg19) VCF-style: chr7-33392479-C-A.
Other names: p.Pro516Thr; c.1441C>A, p.Pro481Thr (NM_001033604.2); c.1546C>A, p.Pro516Thr (NM_001348036.1, NM_001348041.4, NM_001348043.3 and 1 more transcripts); c.1180C>A, p.Pro394Thr (NM_001348037.3, NM_001348045.3, NM_001348046.3); c.1273C>A, p.Pro425Thr (NM_001348038.3); c.1168C>A, p.Pro390Thr (NM_001348039.3); c.1411C>A, p.Pro471Thr (NM_001348042.3); c.1075C>A, p.Pro359Thr (NM_001348044.3); and 2 more; short protein forms P516T, P394T, P425T, P359T, P390T, P471T, P481T.
Identifiers: ClinVar variation 263119 (VCV000263119.24), dbSNP rs73688160, ClinGen allele CA4214392.